The following is an entry in ClinVar:

ClinVar aggregate classification (germline): Uncertain significance. Review status: criteria provided, multiple submitters, no conflicts (2 of 4 stars). 2 submissions from 2 submitters: Uncertain significance (2). Last evaluated 2025-08-01.

Conditions:
Inborn genetic diseases. Identifiers: MedGen C0950123, MeSH D030342.

Allele frequency attached by ClinVar (database versions not stated): gnomAD exomes 0.00001.
gnomAD v4.1: 13 of 1,554,934 alleles (0.00084%); highest among the groups gnomAD compares: Non-Finnish European, 0.0011%; no homozygotes.

Submissions (2):

Ambry Genetics
Classification: Uncertain significance for Inborn genetic diseases. Last evaluated: 2025-08-01. Review status: criteria provided, single submitter. Criteria: Ambry Variant Classification Scheme 2023. Collection method: clinical testing. Allele origin: germline.

CeGaT Center for Human Genetics Tuebingen
Classification: Uncertain significance. Last evaluated: 2022-05-01. Review status: criteria provided, single submitter. Criteria: CeGaT Center For Human Genetics Tuebingen Variant Classification Criteria Version 2. Collection method: clinical testing. Allele origin: germline. Affected: yes. Observed: 1 variant allele.
Comment: SOX11: PM2, PP3

NM_003108.4(SOX11):c.859T>A (p.Ser287Thr)

Gene: SOX11 (SRY-box transcription factor 11; plus strand). Cytogenetic location: 2p25.2.
Variant type: single nucleotide variant.
Coding change: c.859T>A on transcript NM_003108.4 (MANE Select); coding-DNA position 859, T replaced by A.
Protein change: p.Ser287Thr; replaces serine 287 with threonine.
Molecular consequence: missense variant.
Genome position (GRCh38, 1-based): chr2:5,693,580, T>A. VCF-style: chr2-5693580-T-A. GRCh37 (hg19) VCF-style: chr2-5833712-T-A.
Other names: c.859T>A (NM_003108.3); short protein forms S287T.
Identifiers: ClinVar variation 2650641 (VCV002650641.25), dbSNP rs971298974, ClinGen allele CA345867604.